The following is an entry in ClinVar:

NM_000214.3(JAG1):c.128A>C (p.Gln43Pro)

Gene: JAG1 (jagged canonical Notch ligand 1; minus strand). Cytogenetic location: 20p12.2.
Variant type: single nucleotide variant.
Coding change: c.128A>C on transcript NM_000214.3 (MANE Select); coding-DNA position 128, A replaced by C.
Protein change: p.Gln43Pro; replaces glutamine 43 with proline.
Molecular consequence: missense variant.
Genome position (GRCh38, 1-based): chr20:10,672,960, T>G on the plus strand (A>C on the coding strand, the complement: JAG1 is on the minus strand). VCF-style: chr20-10672960-T-G. GRCh37 (hg19) VCF-style: chr20-10653608-T-G.
Other names: short protein forms Q43P.
Identifiers: ClinVar variation 3573416 (VCV003573416.2).

Conditions:
Arteriohepatic dysplasia. Also called: Alagille Syndrome. Identifiers: Orphanet 52, MedGen C0085280, MeSH D016738, MONDO:0007318.

Submission:

Gilbert/Spinner Lab, Children's Hospital of Philadelphia
No classification provided (evidence only). Condition: Alagille syndrome. Review status: no classification provided. Collection method: research. Allele origin: not applicable. Functional consequence: functionally_abnormal.
ClinVar note: "not provided" was previously submitted as the classification for the variant. However, the classification appeared to be based only on an observation of functional data so it was converted to no classification on 2025-07-30.